The following is an entry in ClinVar:

NM_173500.4(TTBK2):c.*966C>T

Gene: TTBK2 (tau tubulin kinase 2; minus strand). Cytogenetic location: 15q15.2.
Variant type: single nucleotide variant.
Coding change: c.*966C>T on transcript NM_173500.4 (MANE Select); 966 bases downstream of the stop codon, C replaced by T.
Molecular consequence: 3 prime UTR variant.
Genome position (GRCh38, 1-based): chr15:42,744,829, G>A on the plus strand (C>T on the coding strand, the complement: TTBK2 is on the minus strand). VCF-style: chr15-42744829-G-A. GRCh37 (hg19) VCF-style: chr15-43037027-G-A.
Identifiers: ClinVar variation 315963 (VCV000315963.36), dbSNP rs145576687, ClinGen allele CA10646966.

ClinVar aggregate classification (germline): Benign/Likely benign. Review status: criteria provided, multiple submitters, no conflicts (2 of 4 stars). 3 submissions from 3 submitters: Benign (2); Likely benign (1). Last evaluated 2023-09-01.

Conditions:
Spinocerebellar ataxia type 11 (SCA11). Identifiers: Orphanet 98767, MedGen C1858351, MONDO:0011464, OMIM 604432.

Allele frequency attached by ClinVar (database versions not stated): 1000 Genomes Project 0.00140; 1000 Genomes Project 30x 0.00156; gnomAD exomes 0.00291; TOPMed 0.00491; gnomAD 0.00571.
gnomAD v4.1: 797 of 152,306 alleles (0.52%); highest among the groups gnomAD compares: Non-Finnish European, 0.85%; 3 homozygotes.

Submissions (3):

CeGaT Center for Human Genetics Tuebingen
Classification: Likely benign. Last evaluated: 2023-09-01. Review status: criteria provided, single submitter. Criteria: CeGaT Center For Human Genetics Tuebingen Variant Classification Criteria Version 2. Collection method: clinical testing. Allele origin: germline. Affected: yes. Observed: 8 variant alleles.
Comment: TTBK2: BS2

Illumina Laboratory Services, Illumina
Classification: Benign for Spinocerebellar ataxia type 11. Last evaluated: 2018-01-12. Review status: criteria provided, single submitter. Criteria: ICSL Variant Classification Criteria 13 December 2019. Collection method: clinical testing. Allele origin: germline.
Comment: This variant was observed in the ICSL laboratory as part of a predisposition screen in an ostensibly healthy population. It had not been previously curated by ICSL or reported in the Human Gene Mutation Database (HGMD: prior to June 1st, 2018), and was therefore a candidate for classification through an automated scoring system. Utilizing variant allele frequency, disease prevalence and penetrance estimates, and inheritance mode, an automated score was calculated to assess if this variant is too frequent to cause the disease. Based on the score and internal cut-off values, a variant classified as benign is not then subjected to further curation. The score for this variant resulted in a classification of benign for this disease.

Breakthrough Genomics
Classification: Benign. Review status: criteria provided, single submitter. Criteria: ACMG Guidelines, 2015. Collection method: not provided. Allele origin: germline. Inheritance: Autosomal dominant inheritance. Affected: yes.